The following is an entry in ClinVar:

NM_004656.4(BAP1):c.256C>G (p.Leu86Val)

Gene: BAP1 (BRCA1 associated deubiquitinase 1; minus strand). Cytogenetic location: 3p21.1.
Variant type: single nucleotide variant.
Coding change: c.256C>G on transcript NM_004656.4 (MANE Select); coding-DNA position 256, C replaced by G.
Protein change: p.Leu86Val; replaces leucine 86 with valine.
Molecular consequence: missense variant.
Genome position (GRCh38, 1-based): chr3:52,408,077, G>C on the plus strand (C>G on the coding strand, the complement: BAP1 is on the minus strand). VCF-style: chr3-52408077-G-C. GRCh37 (hg19) VCF-style: chr3-52442093-G-C.
Other names: c.256C>G, p.Leu86Val (NM_001410772.1); short protein forms L86V.
Identifiers: ClinVar variation 2100523 (VCV002100523.4), dbSNP rs2153228159, ClinGen allele CA353112760.
Genomic context (GRCh38, chr3:52,408,077, plus strand): 5'-CGCTGCTGCAGTTCAGGAGCACGCTCAGCAAGGCATGAGTTGCACAAGAGTTGGGTATCA[G>C]CTGTGAAACCAAGAATAGTCACCCATACACAGCACCCCTCACTGCAAGCCCCAAGCCCAT-3'
Protein context (NP_004647.1, residues 76-96): IVNNMFFAHQ[Leu86Val]IPNSCATHAL

ClinVar aggregate classification (germline): Uncertain significance (1 of 4 stars; one submission).

Conditions:
BAP1-related tumor predisposition syndrome (TPDS1). Also called: TUMOR PREDISPOSITION SYNDROME 1; BAP1 tumor predisposition syndrome; Tumor susceptibility linked to germline BAP1 mutations; COMMON Syndrome. Identifiers: Orphanet 289539, MedGen C3280492, MONDO:0013692, OMIM 614327.

Submission:

Labcorp Genetics (formerly Invitae), Labcorp
Classification: Uncertain significance for BAP1-related tumor predisposition syndrome. Last evaluated: 2023-08-17. Review status: criteria provided, single submitter. Criteria: Invitae Variant Classification Sherloc (09022015). Collection method: clinical testing. Allele origin: germline.
Comment: In summary, the available evidence is currently insufficient to determine the role of this variant in disease. Therefore, it has been classified as a Variant of Uncertain Significance. An algorithm developed to predict the effect of missense changes on protein structure and function (PolyPhen-2) suggests that this variant is likely to be tolerated. ClinVar contains an entry for this variant (Variation ID: 2100523). This variant has not been reported in the literature in individuals affected with BAP1-related conditions. This variant is not present in population databases (gnomAD no frequency). This sequence change replaces leucine, which is neutral and non-polar, with valine, which is neutral and non-polar, at codon 86 of the BAP1 protein (p.Leu86Val).